The following is an entry in ClinVar:

ClinVar aggregate classification (germline): Uncertain significance. Review status: criteria provided, multiple submitters, no conflicts (2 of 4 stars). 2 submissions from 2 submitters: Uncertain significance (2). Last evaluated 2023-06-13.

Conditions:
Intellectual developmental disorder, X-linked 1. Also called: Intellectual disability, X-linked 1; Atkin Flaitz Patil Smith syndrome; MENTAL RETARDATION, X-LINKED 18; MENTAL RETARDATION, X-LINKED 78. Identifiers: Orphanet 777, MedGen C2931498, MONDO:0010656, OMIM 309530.

Submissions (2):

GeneDx
Classification: Uncertain significance. Last evaluated: 2023-06-13. Review status: criteria provided, single submitter. Criteria: GeneDx Variant Classification Process June 2021. Collection method: clinical testing. Allele origin: germline. Affected: yes.
Comment: Not observed at significant frequency in large population cohorts (gnomAD); In silico analysis supports that this missense variant does not alter protein structure/function; Has not been previously published as pathogenic or benign to our knowledge

Labcorp Genetics (formerly Invitae), Labcorp
Classification: Uncertain significance for Intellectual developmental disorder, X-linked 1. Last evaluated: 2023-03-02. Review status: criteria provided, single submitter. Criteria: Invitae Variant Classification Sherloc (09022015). Collection method: clinical testing. Allele origin: germline.
Comment: In summary, the available evidence is currently insufficient to determine the role of this variant in disease. Therefore, it has been classified as a Variant of Uncertain Significance. Advanced modeling of protein sequence and biophysical properties (such as structural, functional, and spatial information, amino acid conservation, physicochemical variation, residue mobility, and thermodynamic stability) performed at Invitae indicates that this missense variant is not expected to disrupt IQSEC2 protein function. ClinVar contains an entry for this variant (Variation ID: 451601). This variant has not been reported in the literature in individuals affected with IQSEC2-related conditions. This variant is not present in population databases (gnomAD no frequency). This sequence change replaces proline, which is neutral and non-polar, with alanine, which is neutral and non-polar, at codon 557 of the IQSEC2 protein (p.Pro557Ala).

NM_001111125.3(IQSEC2):c.1669C>G (p.Pro557Ala)

Gene: IQSEC2 (IQ motif and Sec7 domain ArfGEF 2; minus strand). Cytogenetic location: Xp11.22.
Variant type: single nucleotide variant.
Coding change: c.1669C>G on transcript NM_001111125.3 (MANE Select); coding-DNA position 1669, C replaced by G.
Protein change: p.Pro557Ala; replaces proline 557 with alanine.
Molecular consequence: missense variant.
Genome position (GRCh38, 1-based): chrX:53,250,907, G>C on the plus strand (C>G on the coding strand, the complement: IQSEC2 is on the minus strand). VCF-style: chrX-53250907-G-C. GRCh37 (hg19) VCF-style: chrX-53280089-G-C.
Other names: c.1054C>G, p.Pro352Ala (NM_015075.2); short protein forms P557A, P352A.
Identifiers: ClinVar variation 451601 (VCV000451601.11), dbSNP rs1556863347, ClinGen allele CA413164674.